The following is an entry in ClinVar:

NM_012186.3(FOXE3):c.106G>A (p.Glu36Lys)

Genes: FOXE3 (forkhead box E3; plus strand), LINC01389 (long independently transcribed non-coding RNA 1389; minus strand). Cytogenetic location: 1p33.
Variant type: single nucleotide variant.
Coding change: c.106G>A on transcript NM_012186.3 (MANE Select); coding-DNA position 106, G replaced by A.
Protein change: p.Glu36Lys; replaces glutamic acid 36 with lysine.
Molecular consequence: missense variant.
Genome position (GRCh38, 1-based): chr1:47,416,421, G>A. VCF-style: chr1-47416421-G-A. GRCh37 (hg19) VCF-style: chr1-47882093-G-A.
Other names: short protein forms E36K.
Identifiers: ClinVar variation 498360 (VCV000498360.19), dbSNP rs900562270, ClinGen allele CA22068333.
Genomic context (GRCh38, chr1:47,416,421, plus strand): 5'-TTCCCTGCCCTGCCAGCGGTCGCGCCGTCGGGGCCGCCGCCGTCGCCGCTCGCAGGAGCC[G>A]AGCCAGGGCGGGAGCCAGAGGAGGCGGCGGCTGGCCGCGGAGAGGCGGCCCCCACGCCCG-3'
Protein context (NP_036318.1, residues 26-46): GPPPSPLAGA[Glu36Lys]PGREPEEAAA

ClinVar aggregate classification (germline): Uncertain significance. Review status: criteria provided, multiple submitters, no conflicts (2 of 4 stars). 4 submissions from 4 submitters: Uncertain significance (4). Last evaluated 2025-12-17.

Conditions:
Anterior segment dysgenesis. Also called: Ocular anterior segment dysgenesis. Identifiers: Orphanet 88632, MedGen C1862839, MONDO:0019503, HP:0007700.
Congenital primary aphakia. Also called: Anterior segment dysgenesis 2, multiple subtypes; ANTERIOR SEGMENT DYSGENESIS 2. Identifiers: Orphanet 83461, MedGen C1853230, MONDO:0012456, OMIM 610256.
FOXE3-related disorder. Also called: FOXE3-related condition.
Cardiovascular phenotype. Identifiers: MedGen CN230736.

Allele frequency attached by ClinVar (database versions not stated): gnomAD 0.00002 and 0.00003; TOPMed 0.00002.

Submissions (4):

Labcorp Genetics (formerly Invitae), Labcorp
Classification: Uncertain significance for Anterior segment dysgenesis; Congenital primary aphakia. Last evaluated: 2025-12-17. Review status: criteria provided, single submitter. Criteria: Invitae Variant Classification Sherloc (09022015). Collection method: clinical testing. Allele origin: germline.
Comment: This sequence change replaces glutamic acid, which is acidic and polar, with lysine, which is basic and polar, at codon 36 of the FOXE3 protein (p.Glu36Lys). This variant is not present in population databases (gnomAD no frequency). This variant has not been reported in the literature in individuals affected with FOXE3-related conditions. ClinVar contains an entry for this variant (Variation ID: 498360). An algorithm developed to predict the effect of missense changes on protein structure and function outputs the following: PolyPhen-2: "Benign". The lysine amino acid residue is found in multiple mammalian species, which suggests that this missense change does not adversely affect protein function. In summary, the available evidence is currently insufficient to determine the role of this variant in disease. Therefore, it has been classified as a Variant of Uncertain Significance.

PreventionGenetics, part of Exact Sciences
Classification: Uncertain significance for FOXE3-related condition. Last evaluated: 2025-10-08. Review status: criteria provided, single submitter. Criteria: ACMG Guidelines, 2015. Collection method: clinical testing. Allele origin: germline.
Comment: The FOXE3 c.106G>A variant is predicted to result in the amino acid substitution p.Glu36Lys. To our knowledge, this variant has not been reported in the literature or in a large population database (gnomAD), indicating this variant is rare. At this time, the clinical significance of this variant is uncertain due to the absence of conclusive functional and genetic evidence.

Ambry Genetics
Classification: Uncertain significance for Cardiovascular phenotype. Last evaluated: 2025-06-18. Review status: criteria provided, single submitter. Criteria: Ambry Variant Classification Scheme 2023. Collection method: clinical testing. Allele origin: germline.

Eurofins Ntd Llc (ga)
Classification: Uncertain significance. Last evaluated: 2016-11-01. Review status: criteria provided, single submitter. Criteria: EGL Classification Definitions 2015. Collection method: clinical testing. Allele origin: germline. Observed: 1 variant allele, 1 heterozygote.